The following is an entry in ClinVar:

ClinVar aggregate classification (germline): Uncertain significance. Review status: criteria provided, multiple submitters, no conflicts (2 of 4 stars). 2 submissions from 2 submitters: Uncertain significance (2). Last evaluated 2025-04-21.

Conditions:
Inborn genetic diseases. Identifiers: MedGen C0950123, MeSH D030342.

Allele frequency attached by ClinVar (database versions not stated): gnomAD exomes below 0.00001; TOPMed 0.00001; gnomAD 0.00002.
gnomAD v4.1: 4 of 1,614,020 alleles (0.00025%); highest among the groups gnomAD compares: Admixed American, 0.0017%; no homozygotes.

Submissions (2):

Labcorp Genetics (formerly Invitae), Labcorp
Classification: Uncertain significance. Last evaluated: 2025-04-21. Review status: criteria provided, single submitter. Criteria: Invitae Variant Classification Sherloc (09022015). Collection method: clinical testing. Allele origin: germline.
Comment: This sequence change replaces leucine, which is neutral and non-polar, with arginine, which is basic and polar, at codon 746 of the COL9A1 protein (p.Leu746Arg). This variant is not present in population databases (gnomAD no frequency). This variant has not been reported in the literature in individuals affected with COL9A1-related conditions. ClinVar contains an entry for this variant (Variation ID: 1447774). Invitae Evidence Modeling of protein sequence and biophysical properties (such as structural, functional, and spatial information, amino acid conservation, physicochemical variation, residue mobility, and thermodynamic stability) indicates that this missense variant is not expected to disrupt COL9A1 protein function with a negative predictive value of 95%. In summary, the available evidence is currently insufficient to determine the role of this variant in disease. Therefore, it has been classified as a Variant of Uncertain Significance.

Ambry Genetics
Classification: Uncertain significance for Inborn genetic diseases. Last evaluated: 2021-08-02. Review status: criteria provided, single submitter. Criteria: Ambry Variant Classification Scheme 2023. Collection method: clinical testing. Allele origin: germline.

NM_001851.6(COL9A1):c.2237T>G (p.Leu746Arg)

Gene: COL9A1 (collagen type IX alpha 1 chain; minus strand). Cytogenetic location: 6q13.
Variant type: single nucleotide variant.
Coding change: c.2237T>G on transcript NM_001851.6 (MANE Select); coding-DNA position 2237, T replaced by G.
Protein change: p.Leu746Arg; replaces leucine 746 with arginine.
Molecular consequence: missense variant. On other transcripts: non-coding transcript variant (1), intron variant (1).
Genome position (GRCh38, 1-based): chr6:70,234,816, A>C on the plus strand (T>G on the coding strand, the complement: COL9A1 is on the minus strand). VCF-style: chr6-70234816-A-C. GRCh37 (hg19) VCF-style: chr6-70944519-A-C.
Other names: c.1538T>G, p.Leu513Arg (NM_001377289.1); c.1508T>G, p.Leu503Arg (NM_078485.4); c.1384-223T>G (NM_001377290.1); c.2237T>G (NM_001851.4); short protein forms L503R, L513R, L746R.
Identifiers: ClinVar variation 1447774 (VCV001447774.11), dbSNP rs1251807389, ClinGen allele CA364673045.